The following is an entry in ClinVar:

NM_000255.4(MMUT):c.1659G>A (p.Val553=)

Gene: MMUT (methylmalonyl-CoA mutase; minus strand). Cytogenetic location: 6p12.3.
Variant type: single nucleotide variant.
Coding change: c.1659G>A on transcript NM_000255.4 (MANE Select); coding-DNA position 1659, G replaced by A.
Protein change: p.Val553=; no amino-acid change (valine 553 retained).
Molecular consequence: synonymous variant.
Genome position (GRCh38, 1-based): chr6:49,444,656, C>T on the plus strand (G>A on the coding strand, the complement: MMUT is on the minus strand). VCF-style: chr6-49444656-C-T. GRCh37 (hg19) VCF-style: chr6-49412369-C-T.
Identifiers: ClinVar variation 968472 (VCV000968472.12), dbSNP rs764316430, ClinGen allele CA3846795.

ClinVar aggregate classification (germline): Likely benign. Review status: criteria provided, single submitter (1 of 4 stars). 3 submissions from 3 submitters: Likely benign (1). 2 of the submissions do not count toward it. Last evaluated 2023-07-21.

Conditions:
Methylmalonic aciduria due to complete methylmalonyl-CoA mutase deficiency.
MMUT-related disorder. Also called: MMUT-related condition.

Allele frequency attached by ClinVar (database versions not stated): ExAC 0.00001; gnomAD 0.00001; gnomAD exomes 0.00001; TOPMed 0.00003.
gnomAD v4.1: 30 of 1,612,952 alleles (0.0019%); highest among the groups gnomAD compares: Non-Finnish European, 0.0023%; no homozygotes.

Submissions (3):

Labcorp Genetics (formerly Invitae), Labcorp
Classification: Likely benign. Last evaluated: 2023-07-21. Review status: criteria provided, single submitter. Criteria: Invitae Variant Classification Sherloc (09022015). Collection method: clinical testing. Allele origin: germline.

Natera, Inc.
Classification: Uncertain significance for Methylmalonic aciduria due to complete methylmalonyl-CoA mutase deficiency. Last evaluated: 2020-03-10. Review status: no assertion criteria provided. Collection method: clinical testing. Allele origin: germline. Not counted in ClinVar's aggregate classification.

PreventionGenetics, part of Exact Sciences
Classification: Likely benign for MMUT-related condition. Last evaluated: 2019-05-10. Review status: no assertion criteria provided. Collection method: clinical testing. Allele origin: germline. Not counted in ClinVar's aggregate classification.
Comment: This variant is classified as likely benign based on ACMG/AMP sequence variant interpretation guidelines (Richards et al. 2015 PMID: 25741868, with internal and published modifications).